The following is an entry in ClinVar:

NM_006859.4(LIAS):c.999A>G (p.Lys333=)

Gene: LIAS (lipoic acid synthetase; plus strand). Cytogenetic location: 4p14.
Variant type: single nucleotide variant.
Coding change: c.999A>G on transcript NM_006859.4 (MANE Select); coding-DNA position 999, A replaced by G.
Protein change: p.Lys333=; no amino-acid change (lysine 333 retained).
Molecular consequence: synonymous variant. On other transcripts: intron variant (1).
Genome position (GRCh38, 1-based): chr4:39,473,144, A>G. VCF-style: chr4-39473144-A-G. GRCh37 (hg19) VCF-style: chr4-39474764-A-G.
Other names: c.870A>G, p.Lys290= (NM_001278590.2); c.690A>G, p.Lys230= (NM_001363700.2); c.954+1838A>G (NM_194451.3).
Identifiers: ClinVar variation 936217 (VCV000936217.14), dbSNP rs372877643, ClinGen allele CA2894842.

ClinVar aggregate classification (germline): Likely benign. Review status: criteria provided, single submitter (1 of 4 stars). 2 submissions from 2 submitters: Likely benign (1). 1 of the submissions does not count toward it. Last evaluated 2024-04-18.

Conditions:
Lipoic acid synthetase deficiency. Also called: HYPERGLYCINEMIA, LACTIC ACIDOSIS, AND SEIZURES. Identifiers: Orphanet 401859, MedGen C3280887, MONDO:0013762, OMIM 614462.
LIAS-related disorder. Also called: LIAS-related condition.

Allele frequency attached by ClinVar (database versions not stated): gnomAD exomes below 0.00001 and 0.00001; ExAC 0.00002; gnomAD 0.00005 and 0.00006; TOPMed 0.00013; ESP Exome Variant Server 0.00023.

Submissions (3):

Labcorp Genetics (formerly Invitae), Labcorp
Classification: Likely benign for Lipoic acid synthetase deficiency. Last evaluated: 2024-04-18. Review status: criteria provided, single submitter. Criteria: Invitae Variant Classification Sherloc (09022015). Collection method: clinical testing. Allele origin: germline.

PreventionGenetics, part of Exact Sciences
Classification: Likely benign for LIAS-related condition. Last evaluated: 2019-04-02. Review status: no assertion criteria provided. Collection method: clinical testing. Allele origin: germline. Not counted in ClinVar's aggregate classification.
Comment: This variant is classified as likely benign based on ACMG/AMP sequence variant interpretation guidelines (Richards et al. 2015 PMID: 25741868, with internal and published modifications).

Dr. Peter K. Rogan Lab, Western University
No classification provided (evidence only). Condition: Colon adenocarcinoma. Review status: no classification provided. Collection method: in vitro. Allele origin: not applicable. Functional consequence: skipped exon. Not counted in ClinVar's aggregate classification.